The following is an entry in ClinVar:

NM_017780.4(CHD7):c.1049C>T (p.Ala350Val)

Gene: CHD7 (chromodomain helicase DNA binding protein 7; plus strand). Cytogenetic location: 8q12.2.
Variant type: single nucleotide variant.
Coding change: c.1049C>T on transcript NM_017780.4 (MANE Select); coding-DNA position 1049, C replaced by T.
Protein change: p.Ala350Val; replaces alanine 350 with valine.
Molecular consequence: missense variant.
Genome position (GRCh38, 1-based): chr8:60,742,481, C>T. VCF-style: chr8-60742481-C-T. GRCh37 (hg19) VCF-style: chr8-61655040-C-T.
Other names: c.1049C>T, p.Ala350Val (NM_001316690.1); short protein forms A350V.
Identifiers: ClinVar variation 1426757 (VCV001426757.8), dbSNP rs2150579918, ClinGen allele CA371300966.
Genomic context (GRCh38, chr8:60,742,481, plus strand): 5'-AAAATTTAGGCCTTACAAATAATACTCCAATGAATCAGTCCGTACCAAGATACCCCAATG[C>T]TGTAGGATTCCCATCAAACAGTGGTCAAGGACTAATGCACCAGCAGCCCATCCACCCCAG-3'
Protein context (NP_060250.2, residues 340-360): MNQSVPRYPN[Ala350Val]VGFPSNSGQG

ClinVar aggregate classification (germline): Uncertain significance (1 of 4 stars; one submission).

Conditions:
CHARGE syndrome (CHARGE). Also called: Coloboma, heart anomaly, choanal atresia, retardation, genital and ear anomalies; CHARGE association; Hall-Hittner syndrome; Hittner Hirsch Kreh syndrome; CHARGE ASSOCIATION--COLOBOMA, HEART ANOMALY, CHOANAL ATRESIA, RETARDATION, GENITAL AND EAR ANOMALIES. Identifiers: Orphanet 138, MedGen C0265354, MONDO:0008965.

Submission:

Labcorp Genetics (formerly Invitae), Labcorp
Classification: Uncertain significance for CHARGE syndrome. Last evaluated: 2022-07-19. Review status: criteria provided, single submitter. Criteria: Invitae Variant Classification Sherloc (09022015). Collection method: clinical testing. Allele origin: germline.
Comment: This sequence change replaces alanine, which is neutral and non-polar, with valine, which is neutral and non-polar, at codon 350 of the CHD7 protein (p.Ala350Val). This variant is not present in population databases (gnomAD no frequency). This variant has not been reported in the literature in individuals affected with CHD7-related conditions. ClinVar contains an entry for this variant (Variation ID: 1426757). Advanced modeling of protein sequence and biophysical properties (such as structural, functional, and spatial information, amino acid conservation, physicochemical variation, residue mobility, and thermodynamic stability) performed at Invitae indicates that this missense variant is not expected to disrupt CHD7 protein function. In summary, the available evidence is currently insufficient to determine the role of this variant in disease. Therefore, it has been classified as a Variant of Uncertain Significance.